The following is an entry in ClinVar:

NM_000070.3(CAPN3):c.589C>T (p.Arg197Cys)

Gene: CAPN3 (calpain 3; plus strand). Cytogenetic location: 15q15.1.
Variant type: single nucleotide variant.
Coding change: c.589C>T on transcript NM_000070.3 (MANE Select); coding-DNA position 589, C replaced by T.
Protein change: p.Arg197Cys; replaces arginine 197 with cysteine.
Molecular consequence: missense variant.
Genome position (GRCh38, 1-based): chr15:42,387,843, C>T. VCF-style: chr15-42387843-C-T. GRCh37 (hg19) VCF-style: chr15-42680041-C-T.
Other names: p.Arg197Cys; c.589C>T, p.Arg197Cys (NM_024344.2, NM_173087.2); short protein forms R197C.
Identifiers: ClinVar variation 284813 (VCV000284813.20), dbSNP rs199718635, ClinGen allele CA7511063.
Genomic context (GRCh38, chr15:42,387,843, plus strand): 5'-GTTATAGATGACTGCCTGCCAACGTACAACAATCAACTGGTTTTCACCAAGTCCAACCAC[C>T]GCAATGAGTTCTGGAGTGCTCTGCTGGAGAAGGCTTATGCTAAGTAAGCAACACTTTAGA-3'
Protein context (NP_000061.1, residues 187-207): NQLVFTKSNH[Arg197Cys]NEFWSALLEK

ClinVar aggregate classification (germline): Uncertain significance. Review status: criteria provided, multiple submitters, no conflicts (2 of 4 stars). 9 submissions from 9 submitters: Uncertain significance (7). 2 of the submissions do not count toward it. Last evaluated 2026-05-29.

Conditions:
Muscular dystrophy, limb-girdle, autosomal dominant 4. Also called: Calpain-3-related limb-girdle muscular dystrophy D4; MUSCULAR DYSTROPHY, LIMB-GIRDLE, TYPE 1I. Identifiers: Orphanet 565909, MedGen C4748295, MONDO:0029133, OMIM 618129.
Autosomal recessive limb-girdle muscular dystrophy type 2A (LGMDR1). Also called: Calpainopathy; Muscular dystrophy, limb-girdle, type 2A, Amish; LEYDEN-MOEBIUS MUSCULAR DYSTROPHY; MUSCULAR DYSTROPHY, PELVOFEMORAL; Limb-girdle muscular dystrophy, type 2A. Identifiers: Orphanet 267, MedGen C1869123, MONDO:0009675, OMIM 253600. Disease mechanism: loss of function.
CAPN3-related disorder. Also called: CAPN3-related condition; CAPN3-related disorders. Identifiers: MedGen CN239245.

Allele frequency attached by ClinVar (database versions not stated): gnomAD 0.00021 and 0.00022; TOPMed 0.00025; gnomAD exomes 0.00033 and 0.00017; ESP Exome Variant Server 0.00015; ExAC 0.00021.
gnomAD v4.1: 540 of 1,614,020 alleles (0.033%); highest among the groups gnomAD compares: Non-Finnish European, 0.041%; 1 homozygote.

Submissions (9):

GeneDx
Classification: Uncertain significance. Last evaluated: 2026-05-29. Review status: criteria provided, single submitter. Criteria: GeneDx Variant Classification Process June 2021. Collection method: clinical testing. Allele origin: germline.
Comment: Reported as a variant of uncertain significance in the heterozygous state in an individual with LGMD (PMID: 30564623); Reported along with a second CAPN3 variant on the same allele (in cis) in an individual in the published literature; clinical information was not provided (PMID: 34323405); In silico analysis supports that this missense variant has a deleterious effect on protein structure/function; This variant is associated with the following publications: (PMID: 30564623, 34323405, 33448235)

Labcorp Genetics (formerly Invitae), Labcorp
Classification: Uncertain significance for Autosomal recessive limb-girdle muscular dystrophy type 2A. Last evaluated: 2026-02-02. Review status: criteria provided, single submitter. Criteria: Invitae Variant Classification Sherloc (09022015). Collection method: clinical testing. Allele origin: germline.
Comment: This sequence change replaces arginine, which is basic and polar, with cysteine, which is neutral and slightly polar, at codon 197 of the CAPN3 protein (p.Arg197Cys). This variant is present in population databases (rs199718635, gnomAD 0.03%). This missense change has been observed in individual(s) with limb girdle muscular dystrophy (PMID: 30564623). ClinVar contains an entry for this variant (Variation ID: 284813). Invitae Evidence Modeling of protein sequence and biophysical properties (such as structural, functional, and spatial information, amino acid conservation, physicochemical variation, residue mobility, and thermodynamic stability) indicates that this missense variant is not expected to disrupt CAPN3 protein function with a negative predictive value of 80%. In summary, the available evidence is currently insufficient to determine the role of this variant in disease. Therefore, it has been classified as a Variant of Uncertain Significance.

Revvity Omics, Revvity
Classification: Uncertain significance. Last evaluated: 2025-05-09. Review status: criteria provided, single submitter. Criteria: ACMG Guidelines, 2015. Collection method: clinical testing. Allele origin: germline.

Blueprint Genetics
Classification: Uncertain significance. Last evaluated: 2024-09-23. Review status: criteria provided, single submitter. Criteria: ACMG Guidelines, 2015. Collection method: clinical testing. Allele origin: germline.

Mayo Clinic Laboratories, Mayo Clinic
Classification: Uncertain significance. Last evaluated: 2024-05-20. Review status: criteria provided, single submitter. Criteria: ACMG Guidelines, 2015. Collection method: clinical testing. Allele origin: germline. Observed: 1 variant allele.
Comment: PP3

Fulgent Genetics
Classification: Uncertain significance for Autosomal recessive limb-girdle muscular dystrophy type 2A; Muscular dystrophy, limb-girdle, autosomal dominant 4. Last evaluated: 2022-05-11. Review status: criteria provided, single submitter. Criteria: ACMG Guidelines, 2015. Collection method: clinical testing. Allele origin: unknown.

Eurofins Ntd Llc (ga)
Classification: Uncertain significance. Last evaluated: 2018-01-16. Review status: criteria provided, single submitter. Criteria: EGL Classification Definitions 2015. Collection method: clinical testing. Allele origin: germline. Observed: 2 variant alleles, 2 heterozygotes.

PreventionGenetics, part of Exact Sciences
Classification: Uncertain significance for CAPN3-related condition. Last evaluated: 2024-01-09. Review status: no assertion criteria provided. Collection method: clinical testing. Allele origin: germline. Not counted in ClinVar's aggregate classification.
Comment: The CAPN3 c.589C>T variant is predicted to result in the amino acid substitution p.Arg197Cys. This variant was reported in the heterozygous state in an individual with limb girdle muscular dystrophy and was considered as a variant of uncertain significance (Nallamilli et al 2018. PubMed ID: 30564623, Table S7). This variant is reported in 0.028% of alleles in individuals of European (Non-Finnish) descent in gnomAD. At this time, the clinical significance of this variant is uncertain due to the absence of conclusive functional and genetic evidence.

Natera, Inc.
Classification: Uncertain significance for Limb-girdle muscular dystrophy type 2A. Last evaluated: 2020-09-16. Review status: no assertion criteria provided. Collection method: clinical testing. Allele origin: germline. Not counted in ClinVar's aggregate classification.

Literature cited by the submitters: PubMed 30564623 (cited by Labcorp Genetics (formerly Invitae), Labcorp and Mayo Clinic Laboratories, Mayo Clinic); PubMed 33448235 (cited by Mayo Clinic Laboratories, Mayo Clinic); PubMed 34323405 (cited by Mayo Clinic Laboratories, Mayo Clinic).